The following is an entry in ClinVar:

NM_021620.4(PRDM13):c.895G>T (p.Gly299Cys)

Gene: PRDM13 (PR/SET domain 13; plus strand). Cytogenetic location: 6q16.2.
Variant type: single nucleotide variant.
Coding change: c.895G>T on transcript NM_021620.4 (MANE Select); coding-DNA position 895, G replaced by T.
Protein change: p.Gly299Cys; replaces glycine 299 with cysteine.
Molecular consequence: missense variant.
Genome position (GRCh38, 1-based): chr6:99,613,530, G>T. VCF-style: chr6-99613530-G-T. GRCh37 (hg19) VCF-style: chr6-100061406-G-T.
Other names: short protein forms G299C.
Identifiers: ClinVar variation 4768241 (VCV004768241.1).

ClinVar aggregate classification (germline): Uncertain significance (1 of 4 stars; one submission).

Submission:

Labcorp Genetics (formerly Invitae), Labcorp
Classification: Uncertain significance. Last evaluated: 2025-10-15. Review status: criteria provided, single submitter. Criteria: Invitae Variant Classification Sherloc (09022015). Collection method: clinical testing. Allele origin: germline.
Comment: This sequence change replaces glycine, which is neutral and non-polar, with cysteine, which is neutral and slightly polar, at codon 299 of the PRDM13 protein (p.Gly299Cys). This variant is not present in population databases (gnomAD no frequency). This variant has not been reported in the literature in individuals affected with PRDM13-related conditions. An algorithm developed to predict the effect of missense changes on protein structure and function (PolyPhen-2) suggests that this variant is likely to be disruptive. In summary, the available evidence is currently insufficient to determine the role of this variant in disease. Therefore, it has been classified as a Variant of Uncertain Significance.